The following is an entry in ClinVar:

ClinVar aggregate classification (germline): Pathogenic/Likely pathogenic. Review status: criteria provided, multiple submitters, no conflicts (2 of 4 stars). 6 submissions from 6 submitters: Pathogenic (1); Likely pathogenic (4). 1 of the submissions does not count toward it. Last evaluated 2026-07-27.

Conditions:
Rauch-Steindl syndrome (RAUST). Identifiers: Orphanet 659642, MedGen C5562061, MONDO:0859219, OMIM 619695.

Submissions (6):

Institute of Human Genetics, Heidelberg University
Classification: Likely pathogenic for Rauch-Steindl syndrome. Last evaluated: 2026-07-27. Review status: criteria provided, single submitter. Criteria: ACMG Guidelines, 2015. Collection method: clinical testing. Allele origin: maternal. Affected: yes. Observed: 2 variant alleles.
Comment: PM4, PS2_mod, PP1,PS4_mod

Variantyx, Inc.
Classification: Likely pathogenic for Rauch-Steindl syndrome. Last evaluated: 2025-03-19. Review status: criteria provided, single submitter. Criteria: Variantyx Assertion Criteria 2022. Collection method: clinical testing. Allele origin: germline. Affected: yes.
Comment: This is a frameshift variant in the NSD2 gene (OMIM: 602952). Pathogenic variants in this gene have been associated with autosomal dominant Rauch-Steindl syndrome. This variant likely occurred de novo in individual(s) from the published literature; however, the possibility of parental germline mosaicism cannot be excluded (PMID: 33941880, 38353053) (PS2). This variant results in loss of the C-terminal 22 amino acids and replacement with 49 spurious amino acids, leading to an elongated protein (PM4). This variant has a 0.0034% maximum allele frequency in non-founder control populations (PM2_Supporting). Based on the current evidence, this variant is classified as likely pathogenic for autosomal dominant Rauch-Steindl syndrome.Inheritance from an unaffected or mildly affected parent has been reported in the NSD2 gene, consistent with variable expressivity (PMID: 33276791).

Clinical Genomics Laboratory, Washington University in St. Louis
Classification: Likely pathogenic for Rauch-Steindl syndrome. Last evaluated: 2024-11-27. Review status: criteria provided, single submitter. Criteria: ACMG Guidelines, 2015. Collection method: clinical testing. Allele origin: germline. Affected: yes.
Comment: The NSD2 c.4028del (p.Pro1343Glnfs*49) variant has been reported in at least four individuals affected with Rauch-Steindl syndrome, three of which were confirmed de novo (Nishi E et al., PMID: 38353053; McConkey H et al., PMID: 36589751; Zanoni P et al., PMID: 33941880). One individual with this variant was positive for the Wolf-Hirschhorn Syndrome episignature that supported their Ruach-Steindl syndrome diagnosis (McConkey H et al., PMID: 36589751). This variant causes a frameshift by deleting a single nucleotide, leading to a premature termination codon; however, because this occurs in the last exon, this is less likely to lead to nonsense mediated decay. This variant is observed on 21/1,601,338 alleles in the general population (gnomAD v.4.1.0). Based on available information and the ACMG/AMP guidelines for variant interpretation (Richards S et al., PMID: 25741868), this variant is classified as likely pathogenic.

Fulgent Genetics
Classification: Likely pathogenic for Rauch-Steindl syndrome. Last evaluated: 2024-03-13. Review status: criteria provided, single submitter. Criteria: ACMG Guidelines, 2015. Collection method: clinical testing. Allele origin: germline.

Victorian Clinical Genetics Services, Murdoch Childrens Research Institute
Classification: Pathogenic for Rauch-Steindl syndrome. Last evaluated: 2022-06-24. Review status: criteria provided, single submitter. Criteria: ACMG Guidelines, 2015. Collection method: clinical testing. Allele origin: germline. Inheritance: Autosomal dominant inheritance.
Comment: Based on the classification scheme VCGS_Germline_v1.3.4, this variant is classified as Pathogenic. Following criteria are met: 0102 - Loss of function is a known mechanism of disease in this gene and is associated with Rauch-Steindl syndrome (MIM#619695). (I) 0107 - This gene is associated with autosomal dominant disease. (I) 0208 - Variant is predicted to result in an elongated protein. (SP) 0251 - This variant is heterozygous. (I) 0302 - Variant is present in gnomAD (v2) <0.001 for a dominant condition (8 heterozygotes, 0 homozygotes). However, several of these entries have questionable quality. (SP) 0309 - An alternative elongation variant in the same region (p.(Glu1344Argfs*91)) has been observed in gnomAD (v2) (219 heterozygotes, 0 homozygotes). However, this entry has questionable quality. (I) 0604 - Variant is not located in an established domain, motif, hotspot or informative constraint region. (I) 0708 - Other elongation variants comparable to the one identified in this case have conflicting previous evidence for pathogenicity. One comparable variant with a different reading frame to our variant (p.(Glu1344Argfs*91)), has been reported as likely benign (ClinVar). Another comparable variant (p.(Glu1344Lysfs*49)) with the same reading frame as our variant has been reported as de novo and pathogenic, in an individual with atypical Wolf Hirschhorn syndrome (LOVD, PMID: 31382906). (I) 0801 - This variant has strong previous evidence of pathogenicity in unrelated individuals. This variant has been described as likely pathogenic and de novo in at least two unrelated individuals with features including developmental delay, failure to thrive, dysmorphism and/or motor and speech delay (LOVD, DECIPHER, PMID: 33941880). (SP) 0905 - No published segregation evidence has been identified for this variant. (I) 1007 - No published functional evidence has been identified for this variant. (SP) Legend: (SP) - Supporting pathogenic, (I) - Information, (SB) - Supporting benign

OMIM
Classification: Pathogenic for RAUCH-STEINDL SYNDROME. Last evaluated: 2022-01-11. Review status: no assertion criteria provided. Collection method: literature only. Allele origin: germline. Not counted in ClinVar's aggregate classification.

Literature cited by the submitters: PubMed 31382906 (cited by Victorian Clinical Genetics Services, Murdoch Childrens Research Institute); PubMed 33941880 (cited by Victorian Clinical Genetics Services, Murdoch Childrens Research Institute and OMIM).

NM_001042424.3(NSD2):c.4028del (p.Pro1343fs)

Gene: NSD2 (nuclear receptor binding SET domain protein 2; plus strand). Cytogenetic location: 4p16.3.
Variant type: Deletion.
Coding change: c.4028del on transcript NM_001042424.3 (MANE Select); coding-DNA position 4028, one base deleted (C; older notation c.4028delC).
Protein change: p.Pro1343fs; shifts the reading frame from proline 1343.
Molecular consequence: frameshift variant.
Genome position (GRCh38, 1-based): chr4:1,978,839, C deleted; the last of 8 consecutive C bases (chr4:1,978,832-1,978,839); deleting any one gives the same sequence. VCF-style (leftmost placement, unchanged base first): chr4-1978831-GC-G. GRCh37 (hg19) VCF-style: chr4-1980558-GC-G.
Other names: c.4028del, p.Pro1343fs (NM_133330.3, NM_133331.3, NM_133335.4); short protein forms P1343fs.
Identifiers: ClinVar variation 1333177 (VCV001333177.8), dbSNP rs752037034, ClinGen allele CA2812937.